The following is an entry in ClinVar:

NM_015629.4(PRPF31):c.1146G>C (p.Glu382Asp)

Gene: PRPF31 (pre-mRNA processing factor 31; plus strand). Cytogenetic location: 19q13.42.
Variant type: single nucleotide variant.
Coding change: c.1146G>C on transcript NM_015629.4 (MANE Select); coding-DNA position 1146, G replaced by C.
Protein change: p.Glu382Asp; replaces glutamic acid 382 with aspartic acid.
Molecular consequence: missense variant.
Genome position (GRCh38, 1-based): chr19:54,128,377, G>C. VCF-style: chr19-54128377-G-C. GRCh37 (hg19) VCF-style: chr19-54631752-G-C.
Other names: short protein forms E382D.
Identifiers: ClinVar variation 3248771 (VCV003248771.3).

ClinVar aggregate classification (germline): Uncertain significance. Review status: criteria provided, multiple submitters, no conflicts (2 of 4 stars). 3 submissions from 3 submitters: Uncertain significance (2). 1 of the submissions does not count toward it. Last evaluated 2024-09-26.

Conditions:
Retinal dystrophy. Also called: Inherited retinal dystrophy. Identifiers: Orphanet 71862, MedGen C0854723, MeSH D058499, MONDO:0019118, HP:0000556.
Retinitis pigmentosa 11 (RP11). Identifiers: Orphanet 791, MedGen C1838601, MONDO:0010828, OMIM 600138.

Submissions (3):

3billion
Classification: Uncertain significance for Retinitis pigmentosa 11. Last evaluated: 2024-09-26. Review status: criteria provided, single submitter. Criteria: ACMG Guidelines, 2015. Collection method: clinical testing. Allele origin: germline. Affected: yes.
Comment: The variant is not observed in the gnomAD v4.0.0 dataset. Predicted Consequence/Location: Missense variant. The majority of the known disease-causing variants of this gene are variants expected to result in premature termination of the protein. In silico tools predict the variant to alter splicing and produce an abnormal transcript [SpliceAI: 0.85 (>=0.2, moderate evidence for spliceogenicity)]. A different missense change at the same codon (p.Glu382Gly) has been reported to be associated with PRPF31-related disorder (PMID: 36460718). However the evidence of pathogenicity is insufficient at this time. Therefore, this variant is classified as VUS according to the recommendation of ACMG/AMP guideline.

Blueprint Genetics
Classification: Uncertain significance. Last evaluated: 2017-05-24. Review status: criteria provided, single submitter. Criteria: ACMG Guidelines, 2015. Collection method: clinical testing. Allele origin: germline.

Institute of Human Genetics, Univ. Regensburg, Univ. Regensburg
Classification: Likely pathogenic for Retinal dystrophy. Last evaluated: 2021-01-01. Review status: no assertion criteria provided. Criteria: ACMG Guidelines, 2015. Collection method: clinical testing. Allele origin: germline. Affected: yes. Not counted in ClinVar's aggregate classification.

Literature cited by the submitters: PubMed 36460718 (cited by 3billion).